The following is an entry in ClinVar:

NM_033026.6(PCLO):c.14599A>G (p.Met4867Val)

Gene: PCLO (piccolo presynaptic cytomatrix protein; minus strand). Cytogenetic location: 7q21.11.
Variant type: single nucleotide variant.
Coding change: c.14599A>G on transcript NM_033026.6 (MANE Select); coding-DNA position 14599, A replaced by G.
Protein change: p.Met4867Val; replaces methionine 4867 with valine.
Molecular consequence: missense variant.
Genome position (GRCh38, 1-based): chr7:82,822,687, T>C on the plus strand (A>G on the coding strand, the complement: PCLO is on the minus strand). VCF-style: chr7-82822687-T-C. GRCh37 (hg19) VCF-style: chr7-82452003-T-C.
Other names: c.14599A>G, p.Met4867Val (NM_014510.3); short protein forms M4867V.
Identifiers: ClinVar variation 3677557 (VCV003677557.2).

ClinVar aggregate classification (germline): Uncertain significance (1 of 4 stars; one submission).

gnomAD v4.1: 5 of 1,612,544 alleles (0.00031%); highest among the groups gnomAD compares: East Asian, 0.0022%; no homozygotes.

Submission:

Labcorp Genetics (formerly Invitae), Labcorp
Classification: Uncertain significance. Last evaluated: 2025-03-18. Review status: criteria provided, single submitter. Criteria: Invitae Variant Classification Sherloc (09022015). Collection method: clinical testing. Allele origin: germline.
Comment: This sequence change replaces methionine, which is neutral and non-polar, with valine, which is neutral and non-polar, at codon 4867 of the PCLO protein (p.Met4867Val). This variant is not present in population databases (gnomAD no frequency). This variant has not been reported in the literature in individuals affected with PCLO-related conditions. Experimental studies and prediction algorithms are not available or were not evaluated, and the functional significance of this variant is currently unknown. In summary, the available evidence is currently insufficient to determine the role of this variant in disease. Therefore, it has been classified as a Variant of Uncertain Significance.